The following is an entry in ClinVar:

NM_021939.4(FKBP10):c.1400-4C>G

Gene: FKBP10 (FKBP prolyl isomerase 10; plus strand). Cytogenetic location: 17q21.2.
Variant type: single nucleotide variant.
Coding change: c.1400-4C>G on transcript NM_021939.4 (MANE Select); 4 bases into the intron before coding-DNA position 1400, C replaced by G.
Molecular consequence: intron variant.
Genome position (GRCh38, 1-based): chr17:41,821,650, C>G. VCF-style: chr17-41821650-C-G. GRCh37 (hg19) VCF-style: chr17-39977902-C-G.
Other names: p.?.
Identifiers: ClinVar variation 261437 (VCV000261437.34), dbSNP rs114199361, ClinGen allele CA8566652.
Genomic context (GRCh38, chr17:41,821,650, plus strand): 5'-GTGAAGCCAGGCCCAGACCCCGGCCTGACTAGGACCCCTCCCTTCTCTCCTGCCCTCCCT[C>G]CAGCCCGGGGAGTCCCAGGCAGTGCTGTGCTGCTGTTTGAGGTGGAGCTGGTGTCCCGGG-3'

ClinVar aggregate classification (germline): Benign/Likely benign. Review status: criteria provided, multiple submitters, no conflicts (2 of 4 stars). 10 submissions from 10 submitters: Benign (6); Likely benign (2). 2 of the submissions do not count toward it. Last evaluated 2026-02-03.

Conditions:
Osteogenesis imperfecta (OI). Identifiers: Orphanet 666, MedGen C0029434, MeSH D010013, MONDO:0019019.
Osteogenesis imperfecta type 11. Also called: OI, TYPE XI; Osteogenesis imperfecta, type XI. Identifiers: Orphanet 666, MedGen C3151218, MONDO:0012592, OMIM 610968.

Allele frequency attached by ClinVar (database versions not stated): 1000 Genomes Project 30x 0.01218; 1000 Genomes Project 0.01238; ESP Exome Variant Server 0.01422; gnomAD 0.01571 and 0.01469; TOPMed 0.01642; gnomAD exomes 0.00132 and 0.00357; ExAC 0.00419.
gnomAD v4.1: 4,223 of 1,613,764 alleles (0.26%); highest among the groups gnomAD compares: African/African-American, 5.1%; 86 homozygotes.

Submissions (10):

Labcorp Genetics (formerly Invitae), Labcorp
Classification: Benign. Last evaluated: 2026-02-03. Review status: criteria provided, single submitter. Criteria: Invitae Variant Classification Sherloc (09022015). Collection method: clinical testing. Allele origin: germline.

Mayo Clinic Laboratories, Mayo Clinic
Classification: Likely benign. Last evaluated: 2025-10-15. Review status: criteria provided, single submitter. Criteria: ACMG Guidelines, 2015. Collection method: clinical testing. Allele origin: germline. Observed: 2 variant alleles.
Comment: BA1, BS2, BP4, BP7

ARUP Laboratories, Molecular Genetics and Genomics, ARUP Laboratories
Classification: Benign. Last evaluated: 2025-06-11. Review status: criteria provided, single submitter. Criteria: ARUP Molecular Germline Variant Investigation Process 2024. Collection method: clinical testing. Allele origin: germline.

Genome Diagnostics Laboratory, The Hospital for Sick Children
Classification: Benign for Osteogenesis imperfecta. Last evaluated: 2021-06-18. Review status: criteria provided, single submitter. Criteria: ACMG Guidelines, 2015. Collection method: clinical testing. Allele origin: germline.

Illumina Laboratory Services, Illumina
Classification: Benign for Osteogenesis imperfecta type 11. Last evaluated: 2018-01-12. Review status: criteria provided, single submitter. Criteria: ICSL Variant Classification Criteria 13 December 2019. Collection method: clinical testing. Allele origin: germline.
Comment: This variant was observed in the ICSL laboratory as part of a predisposition screen in an ostensibly healthy population. It had not been previously curated by ICSL or reported in the Human Gene Mutation Database (HGMD: prior to June 1st, 2018), and was therefore a candidate for classification through an automated scoring system. Utilizing variant allele frequency, disease prevalence and penetrance estimates, and inheritance mode, an automated score was calculated to assess if this variant is too frequent to cause the disease. Based on the score and internal cut-off values, a variant classified as benign is not then subjected to further curation. The score for this variant resulted in a classification of benign for this disease.

GeneDx
Classification: Benign. Last evaluated: 2017-12-21. Review status: criteria provided, single submitter. Criteria: GeneDx Variant Classification (06012015). Collection method: clinical testing. Allele origin: germline. Affected: yes.
Comment: This variant is considered likely benign or benign based on one or more of the following criteria: it is a conservative change, it occurs at a poorly conserved position in the protein, it is predicted to be benign by multiple in silico algorithms, and/or has population frequency not consistent with disease.

Center for Pediatric Genomic Medicine, Children's Mercy Hospital and Clinics
Classification: Likely benign. Last evaluated: 2016-10-11. Review status: criteria provided, single submitter. Criteria: ACMG Guidelines, 2015. Collection method: clinical testing. Allele origin: germline.
ClinVar note: Converted during submission from Likely Benign to Likely benign.

PreventionGenetics, part of Exact Sciences
Classification: Benign. Review status: criteria provided, single submitter. Criteria: ACMG Guidelines, 2015. Collection method: clinical testing. Allele origin: germline.

Genome Diagnostics Laboratory, Amsterdam University Medical Center
Classification: Benign. Review status: no assertion criteria provided. Collection method: clinical testing. Allele origin: germline. Affected: yes. Study: VKGL Data-share Consensus. Not counted in ClinVar's aggregate classification.

Laboratory of Diagnostic Genome Analysis, Leiden University Medical Center (LUMC)
Classification: Benign. Review status: no assertion criteria provided. Collection method: clinical testing. Allele origin: germline. Affected: yes. Study: VKGL Data-share Consensus. Not counted in ClinVar's aggregate classification.

Literature cited by the submitters: PubMed 30993005 (cited by Mayo Clinic Laboratories, Mayo Clinic); PubMed 34426522 (cited by Mayo Clinic Laboratories, Mayo Clinic).